The following is an entry in ClinVar:

NM_001042492.3(NF1):c.4431-9_4431-4delinsA

Gene: NF1 (neurofibromin 1; plus strand). Cytogenetic location: 17q11.2.
Variant type: Indel.
Coding change: c.4431-9_4431-4delinsA on transcript NM_001042492.3 (MANE Select); 9 bases into the intron before coding-DNA position 4431 through 4 bases into the intron before coding-DNA position 4431, TTTTTG replaced by A.
Molecular consequence: intron variant.
Genome position (GRCh38, 1-based): chr17:31,260,360-31,260,365, TTTTTG replaced by A. VCF-style: chr17-31260360-TTTTTG-A. GRCh37 (hg19) VCF-style: chr17-29587378-TTTTTG-A.
Other names: c.4368-9_4368-4delinsA (NM_000267.4); c.4368-9_4368-4delTTTTTGinsA (NM_000267.3).
Identifiers: ClinVar variation 4033595 (VCV004033595.1).

ClinVar aggregate classification (germline): Uncertain significance (1 of 4 stars; one submission).

Conditions:
Cardiovascular phenotype. Identifiers: MedGen CN230736.
Hereditary cancer-predisposing syndrome. Also called: Neoplastic Syndromes, Hereditary; Tumor predisposition; Hereditary neoplastic syndrome; Hereditary Cancer Syndrome. Identifiers: Orphanet 140162, MedGen C0027672, MeSH D009386, MONDO:0015356.

Submission:

Ambry Genetics
Classification: Uncertain significance for Cardiovascular phenotype; Hereditary cancer-predisposing syndrome. Last evaluated: 2025-05-25. Review status: criteria provided, single submitter. Criteria: Ambry Variant Classification Scheme 2023. Collection method: clinical testing. Allele origin: germline.
Comment: The c.4368-9_4368-4delTTTTTGinsA intronic variant begins 9 nucleotides before coding exon 33 in the NF1 gene. This variant results from a deletion of six nucleotides and the insertion of one nucleotide at nucleotide positions c.4368-9 to c.4368-4. This nucleotide region is conserved in available vertebrate species. In silico splice site analysis predicts that this alteration may result in the creation or strengthening of a novel splice acceptor site. Based on the available evidence, the clinical significance of this variant remains unclear.